The following is an entry in ClinVar:

NM_020949.3(SLC7A14):c.1399G>A (p.Val467Met)

Genes: SLC7A14 (solute carrier family 7 member 14; minus strand), SLC7A14-AS1 (SLC7A14 antisense RNA 1; plus strand). Cytogenetic location: 3q26.2.
Variant type: single nucleotide variant.
Coding change: c.1399G>A on transcript NM_020949.3 (MANE Select); coding-DNA position 1399, G replaced by A.
Protein change: p.Val467Met; replaces valine 467 with methionine.
Molecular consequence: missense variant.
Genome position (GRCh38, 1-based): chr3:170,480,883, C>T on the plus strand (G>A on the coding strand, the complement: SLC7A14 is on the minus strand). VCF-style: chr3-170480883-C-T. GRCh37 (hg19) VCF-style: chr3-170198672-C-T.
Other names: c.1399G>A (NM_020949.2); short protein forms V467M.
Identifiers: ClinVar variation 1435282 (VCV001435282.10), dbSNP rs370905712, ClinGen allele CA2701631.

ClinVar aggregate classification (germline): Uncertain significance. Review status: criteria provided, multiple submitters, no conflicts (2 of 4 stars). 3 submissions from 3 submitters: Uncertain significance (3). Last evaluated 2025-06-30.

Allele frequency attached by ClinVar (database versions not stated): ExAC 0.00006; gnomAD exomes 0.00007; ESP Exome Variant Server 0.00008.
gnomAD v4.1: 65 of 1,613,970 alleles (0.004%); highest among the groups gnomAD compares: Admixed American, 0.013%; no homozygotes.

Submissions (3):

Ambry Genetics
Classification: Uncertain significance. Last evaluated: 2025-06-30. Review status: criteria provided, single submitter. Criteria: Ambry Variant Classification Scheme 2023. Collection method: clinical testing. Allele origin: germline.

Labcorp Genetics (formerly Invitae), Labcorp
Classification: Uncertain significance. Last evaluated: 2024-12-24. Review status: criteria provided, single submitter. Criteria: Invitae Variant Classification Sherloc (09022015). Collection method: clinical testing. Allele origin: germline.
Comment: This sequence change replaces valine, which is neutral and non-polar, with methionine, which is neutral and non-polar, at codon 467 of the SLC7A14 protein (p.Val467Met). This variant is present in population databases (rs370905712, gnomAD 0.03%). This variant has not been reported in the literature in individuals affected with SLC7A14-related conditions. ClinVar contains an entry for this variant (Variation ID: 1435282). An algorithm developed to predict the effect of missense changes on protein structure and function outputs the following: PolyPhen-2: "Benign". The methionine amino acid residue is found in multiple mammalian species, which suggests that this missense change does not adversely affect protein function. In summary, the available evidence is currently insufficient to determine the role of this variant in disease. Therefore, it has been classified as a Variant of Uncertain Significance.

Blueprint Genetics
Classification: Uncertain significance. Last evaluated: 2022-08-23. Review status: criteria provided, single submitter. Criteria: ACMG Guidelines, 2015. Collection method: clinical testing. Allele origin: germline.